The following is an entry in ClinVar:

NM_000257.4(MYH7):c.2596T>C (p.Ser866Pro)

Genes: MYH7 (myosin heavy chain 7; minus strand), LOC126861898 (BRD4-independent group 4 enhancer GRCh37_chr14:23893609-23894808; plus strand). Cytogenetic location: 14q11.2.
Variant type: single nucleotide variant.
Coding change: c.2596T>C on transcript NM_000257.4 (MANE Select); coding-DNA position 2596, T replaced by C.
Protein change: p.Ser866Pro; replaces serine 866 with proline.
Molecular consequence: missense variant.
Genome position (GRCh38, 1-based): chr14:23,424,852, A>G on the plus strand (T>C on the coding strand, the complement: MYH7 is on the minus strand). VCF-style: chr14-23424852-A-G. GRCh37 (hg19) VCF-style: chr14-23894061-A-G.
Other names: p.Ser866Pro; short protein forms S866P.
Identifiers: ClinVar variation 950875 (VCV000950875.12), dbSNP rs1892629291, ClinGen allele CA389048059.

ClinVar aggregate classification (germline): Uncertain significance. Review status: criteria provided, multiple submitters, no conflicts (2 of 4 stars). 2 submissions from 2 submitters: Uncertain significance (2). Last evaluated 2023-05-05.

Conditions:
Hypertrophic cardiomyopathy 1 (CMH1). Also called: Familial hypertrophic cardiomyopathy 1; MYH7-Related Familial Hypertrophic Cardiomyopathy. Identifiers: MedGen C3495498, MONDO:0008647, OMIM 192600.
Hypertrophic cardiomyopathy. Also called: HYPERTROPHIC MYOCARDIOPATHY. Identifiers: Orphanet 217569, MedGen C0007194, MeSH D002312, MONDO:0005045, HP:0001639.

Submissions (2):

Foundation for Research in Genetics and Endocrinology, FRIGE's Institute of Human Genetics
Classification: Uncertain significance for Hypertrophic cardiomyopathy 1. Last evaluated: 2023-05-05. Review status: criteria provided, single submitter. Criteria: ACMG Guidelines, 2015. Collection method: clinical testing. Allele origin: germline. Inheritance: Autosomal dominant inheritance. Affected: yes. Observed: 1 heterozygote.
Comment: A heterozygous missense variant in exon 22 of the MYH7 gene that results in the amino acid substitution of Proline for Serine at codon 866 (p.Ser866Pro) was detected. The observed variant has previously been reported in patients affected with hypertrophic cardiomyopathy. The p.Ser866Pro variant has not been reported in the 1000 genomes, gnomAD (v3.1), gnomdAD (v2) and topmed and databases. The in silico predictions of the variant are probably damaging by PolyPhen-2 (HumDiv) and damaging by SIFT and MutationTaster2. The reference codon is conserved across species. In summary, the variant meets our criteria to be classified as variant of uncertain significance.

Labcorp Genetics (formerly Invitae), Labcorp
Classification: Uncertain significance for Hypertrophic cardiomyopathy. Last evaluated: 2022-10-28. Review status: criteria provided, single submitter. Criteria: Invitae Variant Classification Sherloc (09022015). Collection method: clinical testing. Allele origin: germline.
Comment: This sequence change replaces serine, which is neutral and polar, with proline, which is neutral and non-polar, at codon 866 of the MYH7 protein (p.Ser866Pro). In summary, the available evidence is currently insufficient to determine the role of this variant in disease. Therefore, it has been classified as a Variant of Uncertain Significance. Advanced modeling of protein sequence and biophysical properties (such as structural, functional, and spatial information, amino acid conservation, physicochemical variation, residue mobility, and thermodynamic stability) performed at Invitae indicates that this missense variant is expected to disrupt MYH7 protein function. ClinVar contains an entry for this variant (Variation ID: 950875). This missense change has been observed in individual(s) with hypertrophic cardiomyopathy (PMID: 23197398, 28771489). This variant is not present in population databases (gnomAD no frequency).

Literature cited by the submitters: PubMed 23197398 (cited by Labcorp Genetics (formerly Invitae), Labcorp); PubMed 28771489 (cited by Labcorp Genetics (formerly Invitae), Labcorp).